The following is an entry in ClinVar:

ClinVar aggregate classification (germline): Uncertain significance (1 of 4 stars; one submission).

gnomAD v4.1: 2 of 1,513,920 alleles (0.00013%); highest among the groups gnomAD compares: Non-Finnish European, 0.00018%; no homozygotes.

Submission:

Ambry Genetics
Classification: Uncertain significance. Last evaluated: 2024-10-28. Review status: criteria provided, single submitter. Criteria: Ambry Variant Classification Scheme 2023. Collection method: clinical testing. Allele origin: germline.
Comment: The p.A281V variant (also known as c.842C>T), located in coding exon 9 of the BUB1 gene, results from a C to T substitution at nucleotide position 842. The alanine at codon 281 is replaced by valine, an amino acid with similar properties. This amino acid position is conserved. In addition, this alteration is predicted to be tolerated by in silico analysis. Based on the available evidence, the clinical significance of this variant remains unclear.

NM_004336.5(BUB1):c.842C>T (p.Ala281Val)

Gene: BUB1 (BUB1 mitotic checkpoint serine/threonine kinase; minus strand). Cytogenetic location: 2q13.
Variant type: single nucleotide variant.
Coding change: c.842C>T on transcript NM_004336.5 (MANE Select); coding-DNA position 842, C replaced by T.
Protein change: p.Ala281Val; replaces alanine 281 with valine.
Molecular consequence: missense variant.
Genome position (GRCh38, 1-based): chr2:110,666,378, G>A on the plus strand (C>T on the coding strand, the complement: BUB1 is on the minus strand). VCF-style: chr2-110666378-G-A. GRCh37 (hg19) VCF-style: chr2-111423955-G-A.
Other names: c.782C>T, p.Ala261Val (NM_001278616.2); c.842C>T, p.Ala281Val (NM_001278617.2); short protein forms A281V, A261V.
Identifiers: ClinVar variation 3483089 (VCV003483089.1).